The following is an entry in ClinVar:

ClinVar aggregate classification (germline): Uncertain significance (1 of 4 stars; one submission).

Submission:

GeneDx
Classification: Uncertain significance. Last evaluated: 2025-08-10. Review status: criteria provided, single submitter. Criteria: GeneDx Variant Classification Process June 2021. Collection method: clinical testing. Allele origin: germline. Affected: yes.
Comment: Not observed at significant frequency in large population cohorts (gnomAD); In silico analysis supports that this missense variant has a deleterious effect on protein structure/function; Has not been previously published as pathogenic or benign to our knowledge

NM_001379403.1(WDR26):c.1693G>A (p.Gly565Ser)

Gene: WDR26 (WD repeat domain 26; minus strand). Cytogenetic location: 1q42.12.
Variant type: single nucleotide variant.
Coding change: c.1693G>A on transcript NM_001379403.1 (MANE Select); coding-DNA position 1693, G replaced by A.
Protein change: p.Gly565Ser; replaces glycine 565 with serine.
Molecular consequence: missense variant.
Genome position (GRCh38, 1-based): chr1:224,400,976, C>T on the plus strand (G>A on the coding strand, the complement: WDR26 is on the minus strand). VCF-style: chr1-224400976-C-T. GRCh37 (hg19) VCF-style: chr1-224588678-C-T.
Other names: c.1345G>A, p.Gly449Ser (NM_001115113.3); c.1393G>A, p.Gly465Ser (NM_025160.7); short protein forms G449S, G465S, G565S.
Identifiers: ClinVar variation 4795741 (VCV004795741.1).